The following is an entry in ClinVar:

ClinVar aggregate classification (germline): Uncertain significance (1 of 4 stars; one submission).

Submission:

Labcorp Genetics (formerly Invitae), Labcorp
Classification: Uncertain significance. Last evaluated: 2023-10-09. Review status: criteria provided, single submitter. Criteria: Invitae Variant Classification Sherloc (09022015). Collection method: clinical testing. Allele origin: germline.
Comment: This sequence change replaces glutamic acid, which is acidic and polar, with glutamine, which is neutral and polar, at codon 458 of the IGF1R protein (p.Glu458Gln). This variant is not present in population databases (gnomAD no frequency). This variant has not been reported in the literature in individuals affected with IGF1R-related conditions. ClinVar contains an entry for this variant (Variation ID: 1932840). Advanced modeling of protein sequence and biophysical properties (such as structural, functional, and spatial information, amino acid conservation, physicochemical variation, residue mobility, and thermodynamic stability) performed at Invitae indicates that this missense variant is not expected to disrupt IGF1R protein function. In summary, the available evidence is currently insufficient to determine the role of this variant in disease. Therefore, it has been classified as a Variant of Uncertain Significance.

NM_000875.5(IGF1R):c.1372G>C (p.Glu458Gln)

Gene: IGF1R (insulin like growth factor 1 receptor; plus strand). Cytogenetic location: 15q26.3.
Variant type: single nucleotide variant.
Coding change: c.1372G>C on transcript NM_000875.5 (MANE Select); coding-DNA position 1372, G replaced by C.
Protein change: p.Glu458Gln; replaces glutamic acid 458 with glutamine.
Molecular consequence: missense variant.
Genome position (GRCh38, 1-based): chr15:98,908,809, G>C. VCF-style: chr15-98908809-G-C. GRCh37 (hg19) VCF-style: chr15-99452038-G-C.
Other names: c.1372G>C, p.Glu458Gln (NM_001291858.2); short protein forms E458Q.
Identifiers: ClinVar variation 1932840 (VCV001932840.5), dbSNP rs771228557, ClinGen allele CA393675822.
Genomic context (GRCh38, chr15:98,908,809, plus strand): 5'-AACCTGACCATCAAAGCAGGGAAAATGTACTTTGCTTTCAATCCCAAATTATGTGTTTCC[G>C]AAATTTACCGCATGGAGGAAGTGACGGGGACTAAAGGGCGCCAAAGCAAAGGGGACATAA-3'
Protein context (NP_000866.1, residues 448-468): FAFNPKLCVS[Glu458Gln]IYRMEEVTGT